The following is an entry in ClinVar:

ClinVar aggregate classification (germline): Uncertain significance (1 of 4 stars; one submission).

Submission:

Athena Diagnostics
Classification: Uncertain significance. Last evaluated: 2023-11-13. Review status: criteria provided, single submitter. Criteria: Athena Diagnostics Criteria. Collection method: clinical testing. Allele origin: unknown.
Comment: Available data are insufficient to determine the clinical significance of the variant at this time. This variant has not been reported in large, multi-ethnic general populations. Computational tools predict that this variant is not damaging.

NM_182961.4(SYNE1):c.25466A>G (p.Gln8489Arg)

Gene: SYNE1 (spectrin repeat containing nuclear envelope protein 1; minus strand). Cytogenetic location: 6q25.2.
Variant type: single nucleotide variant.
Coding change: c.25466A>G on transcript NM_182961.4 (MANE Select); coding-DNA position 25466, A replaced by G.
Protein change: p.Gln8489Arg; replaces glutamine 8489 with arginine.
Molecular consequence: missense variant.
Genome position (GRCh38, 1-based): chr6:152,136,811, T>C on the plus strand (A>G on the coding strand, the complement: SYNE1 is on the minus strand). VCF-style: chr6-152136811-T-C. GRCh37 (hg19) VCF-style: chr6-152457946-T-C.
Other names: c.2072A>G, p.Gln691Arg (NM_001347701.2); c.2000A>G, p.Gln667Arg (NM_001347702.2); c.25322A>G, p.Gln8441Arg (NM_033071.5); short protein forms Q8489R, Q667R, Q691R, Q8441R.
Identifiers: ClinVar variation 3571763 (VCV003571763.1).
Genomic context (GRCh38, chr6:152,136,811, plus strand): 5'-AACTCAGGGCTGCAGAGATTGATGGAGAGGATGATGGCTTTGCGGTGGTCCACAGCTTTC[T>C]GGAGCTCCTGAAAAGAACAAAAAAGACAATCAAACAAGGACAATAATGACAAAGATATTT-3'
Protein context (NP_892006.3, residues 8479-8499): ELQIKKLKEL[Gln8489Arg]KAVDHRKAII